The following is an entry in ClinVar:

NM_144666.3(DNHD1):c.8581C>A (p.His2861Asn)

Gene: DNHD1 (dynein heavy chain domain 1; plus strand). Cytogenetic location: 11p15.4.
Variant type: single nucleotide variant.
Coding change: c.8581C>A on transcript NM_144666.3 (MANE Select); coding-DNA position 8581, C replaced by A.
Protein change: p.His2861Asn; replaces histidine 2861 with asparagine.
Molecular consequence: missense variant.
Genome position (GRCh38, 1-based): chr11:6,557,876, C>A. VCF-style: chr11-6557876-C-A. GRCh37 (hg19) VCF-style: chr11-6579106-C-A.
Other names: short protein forms H2861N.
Identifiers: ClinVar variation 3059219 (VCV003059219.2), dbSNP rs11040920, ClinGen allele CA5856314.

ClinVar aggregate classification (germline): Benign (0 of 4 stars; one submission).

Conditions:
DNHD1-related disorder. Also called: DNHD1-related condition.

Allele frequency attached by ClinVar (database versions not stated): 1000 Genomes Project 30x 0.23563; 1000 Genomes Project 0.23862; TOPMed 0.28900.
gnomAD v4.1: 548,377 of 1,550,678 alleles (35%); highest among the groups gnomAD compares: Non-Finnish European, 38%; 101,103 homozygotes.

Submission:

PreventionGenetics, part of Exact Sciences
Classification: Benign for DNHD1-related condition. Last evaluated: 2023-11-29. Review status: no assertion criteria provided. Collection method: clinical testing. Allele origin: germline.
Comment: This variant is classified as benign based on ACMG/AMP sequence variant interpretation guidelines (Richards et al. 2015 PMID: 25741868, with internal and published modifications).